The following is an entry in ClinVar:

ClinVar aggregate classification (germline): Likely benign. Review status: criteria provided, multiple submitters, no conflicts (2 of 4 stars). 10 submissions from 10 submitters: Likely benign (8). 2 of the submissions do not count toward it. Last evaluated 2026-01-16.

Conditions:
Fanconi anemia complementation group A (FANCA). Also called: Fanconi anemia, group A; FANCA-Related Fanconi Anemia. Identifiers: Orphanet 84, MedGen C3469521, MONDO:0009215, OMIM 227650.
Inborn genetic diseases. Identifiers: MedGen C0950123, MeSH D030342.
FANCA-related disorder. Also called: FANCA-related condition.
Fanconi anemia (FA). Also called: Fanconi's anemia. Identifiers: Orphanet 84, MedGen C0015625, MeSH D005199, MONDO:0019391.

Allele frequency attached by ClinVar (database versions not stated): gnomAD exomes 0.00009; ExAC 0.00010; TOPMed 0.00023; ESP Exome Variant Server 0.00031.
gnomAD v4.1: 171 of 1,613,334 alleles (0.011%); highest among the groups gnomAD compares: Middle Eastern, 0.049%; 1 homozygote.

Submissions (10):

Labcorp Genetics (formerly Invitae), Labcorp
Classification: Likely benign for Fanconi anemia. Last evaluated: 2026-01-16. Review status: criteria provided, single submitter. Criteria: Invitae Variant Classification Sherloc (09022015). Collection method: clinical testing. Allele origin: germline.

CeGaT Center for Human Genetics Tuebingen
Classification: Likely benign. Last evaluated: 2025-12-01. Review status: criteria provided, single submitter. Criteria: CeGaT Center For Human Genetics Tuebingen Variant Classification Criteria Version 2. Collection method: clinical testing. Allele origin: germline. Affected: yes. Observed: 2 variant alleles.
Comment: FANCA: BP4, BP7

Laboratory of Genetics, Children's Clinical University Hospital Latvia
Classification: Likely benign. Last evaluated: 2025-02-16. Review status: criteria provided, single submitter. Criteria: ACMG Guidelines, 2015. Collection method: clinical testing. Allele origin: germline. Affected: yes.

Ambry Genetics
Classification: Likely benign for Inborn genetic diseases. Last evaluated: 2024-11-17. Review status: criteria provided, single submitter. Criteria: Ambry Variant Classification Scheme 2023. Collection method: clinical testing. Allele origin: germline.

Blueprint Genetics
Classification: Likely benign. Last evaluated: 2024-11-07. Review status: criteria provided, single submitter. Criteria: ACMG Guidelines, 2015. Collection method: clinical testing. Allele origin: germline.

Fulgent Genetics
Classification: Likely benign for Fanconi anemia complementation group A. Last evaluated: 2021-12-28. Review status: criteria provided, single submitter. Criteria: ACMG Guidelines, 2015. Collection method: clinical testing. Allele origin: unknown.

Sema4
Classification: Likely benign for Fanconi anemia. Last evaluated: 2021-11-03. Review status: criteria provided, single submitter. Criteria: Sema4 Curation Guidelines. Collection method: curation. Allele origin: germline.

Genetic Services Laboratory, University of Chicago
Classification: Likely benign. Last evaluated: 2018-08-02. Review status: criteria provided, single submitter. Criteria: ACMG Guidelines, 2015. Collection method: clinical testing. Allele origin: germline. Affected: no.

Natera, Inc.
Classification: Likely benign for Fanconi anemia, group A. Last evaluated: 2020-09-16. Review status: no assertion criteria provided. Collection method: clinical testing. Allele origin: germline. Not counted in ClinVar's aggregate classification.

PreventionGenetics, part of Exact Sciences
Classification: Likely benign for FANCA-related condition. Last evaluated: 2019-06-12. Review status: no assertion criteria provided. Collection method: clinical testing. Allele origin: germline. Not counted in ClinVar's aggregate classification.
Comment: This variant is classified as likely benign based on ACMG/AMP sequence variant interpretation guidelines (Richards et al. 2015 PMID: 25741868, with internal and published modifications).

NM_000135.4(FANCA):c.3810G>A (p.Ser1270=)

Genes: FANCA (FA complementation group A; minus strand), ZNF276 (zinc finger protein 276; plus strand). Cytogenetic location: 16q24.3.
Variant type: single nucleotide variant.
Coding change: c.3810G>A on transcript NM_000135.4 (MANE Select); coding-DNA position 3810, G replaced by A.
Protein change: p.Ser1270=; no amino-acid change (serine 1270 retained).
Molecular consequence: synonymous variant. On other transcripts: 3 prime UTR variant (2), non-coding transcript variant (4).
Genome position (GRCh38, 1-based): chr16:89,740,822, C>T on the plus strand (G>A on the coding strand, the complement: FANCA is on the minus strand). VCF-style: chr16-89740822-C-T. GRCh37 (hg19) VCF-style: chr16-89807230-C-T.
Other names: c.3810G>A, p.Ser1270= (NM_001286167.3); c.*2576C>T (NM_001113525.2, NM_152287.4).
Identifiers: ClinVar variation 526454 (VCV000526454.45), dbSNP rs138144828, ClinGen allele CA8250955.